The following is an entry in ClinVar:

ClinVar aggregate classification (germline): Uncertain significance (1 of 4 stars; one submission).

Conditions:
Bethlem myopathy 1A. Also called: MYOPATHY, BENIGN CONGENITAL, WITH CONTRACTURES; Bethlem myopathy 1; Bethlem Muscular Dystrophy. Identifiers: Orphanet 610, MedGen CN029274, MONDO:0024530, OMIM 158810.

Allele frequency attached by ClinVar (database versions not stated): gnomAD 0.00001; TOPMed 0.00001.
gnomAD v4.1: 11 of 1,614,004 alleles (0.00068%); highest among the groups gnomAD compares: Non-Finnish European, 0.00093%; no homozygotes.

Submission:

Labcorp Genetics (formerly Invitae), Labcorp
Classification: Uncertain significance for Bethlem myopathy 1A. Last evaluated: 2024-06-29. Review status: criteria provided, single submitter. Criteria: Invitae Variant Classification Sherloc (09022015). Collection method: clinical testing. Allele origin: germline.
Comment: This sequence change replaces phenylalanine, which is neutral and non-polar, with serine, which is neutral and polar, at codon 1522 of the COL6A3 protein (p.Phe1522Ser). This variant is not present in population databases (gnomAD no frequency). This variant has not been reported in the literature in individuals affected with COL6A3-related conditions. ClinVar contains an entry for this variant (Variation ID: 1997794). Advanced modeling of protein sequence and biophysical properties (such as structural, functional, and spatial information, amino acid conservation, physicochemical variation, residue mobility, and thermodynamic stability) performed at Invitae indicates that this missense variant is not expected to disrupt COL6A3 protein function with a negative predictive value of 80%. In summary, the available evidence is currently insufficient to determine the role of this variant in disease. Therefore, it has been classified as a Variant of Uncertain Significance.

NM_004369.4(COL6A3):c.4565T>C (p.Phe1522Ser)

Gene: COL6A3 (collagen type VI alpha 3 chain; minus strand). Cytogenetic location: 2q37.3.
Variant type: single nucleotide variant.
Coding change: c.4565T>C on transcript NM_004369.4 (MANE Select); coding-DNA position 4565, T replaced by C.
Protein change: p.Phe1522Ser; replaces phenylalanine 1522 with serine.
Molecular consequence: missense variant.
Genome position (GRCh38, 1-based): chr2:237,368,898, A>G on the plus strand (T>C on the coding strand, the complement: COL6A3 is on the minus strand). VCF-style: chr2-237368898-A-G. GRCh37 (hg19) VCF-style: chr2-238277541-A-G.
Other names: c.2744T>C, p.Phe915Ser (NM_057166.5); c.3947T>C, p.Phe1316Ser (NM_057167.4); short protein forms F1316S, F1522S, F915S.
Identifiers: ClinVar variation 1997794 (VCV001997794.4), dbSNP rs1203522788, ClinGen allele CA351193000.